The following is an entry in ClinVar:

ClinVar aggregate classification (germline): Benign/Likely benign. Review status: criteria provided, multiple submitters, no conflicts (2 of 4 stars). 5 submissions from 5 submitters: Benign (3); Likely benign (1). 1 of the submissions does not count toward it. Last evaluated 2025-12-30.

Conditions:
LAMB1-related disorder. Also called: LAMB1-related condition.

Allele frequency attached by ClinVar (database versions not stated): ESP Exome Variant Server 0.00507; 1000 Genomes Project 0.00539; 1000 Genomes Project 30x 0.00562; ExAC 0.00133; TOPMed 0.00442.
gnomAD v4.1: 1,225 of 1,614,158 alleles (0.076%); highest among the groups gnomAD compares: African/African-American, 1.4%; 11 homozygotes.

Submissions (5):

Labcorp Genetics (formerly Invitae), Labcorp
Classification: Benign. Last evaluated: 2025-12-30. Review status: criteria provided, single submitter. Criteria: Invitae Variant Classification Sherloc (09022015). Collection method: clinical testing. Allele origin: germline.

CeGaT Center for Human Genetics Tuebingen
Classification: Likely benign. Last evaluated: 2025-07-01. Review status: criteria provided, single submitter. Criteria: CeGaT Center For Human Genetics Tuebingen Variant Classification Criteria Version 2. Collection method: clinical testing. Allele origin: germline. Affected: yes. Observed: 2 variant alleles.
Comment: LAMB1: BP4, BS1

GeneDx
Classification: Benign. Last evaluated: 2020-01-03. Review status: criteria provided, single submitter. Criteria: GeneDx Variant Classification Process June 2021. Collection method: clinical testing. Allele origin: germline. Affected: yes.

Breakthrough Genomics
Classification: Benign. Review status: criteria provided, single submitter. Criteria: ACMG Guidelines, 2015. Collection method: not provided. Allele origin: germline. Inheritance: Autosomal recessive inheritance. Affected: yes.

PreventionGenetics, part of Exact Sciences
Classification: Benign for LAMB1-related condition. Last evaluated: 2024-09-11. Review status: no assertion criteria provided. Collection method: clinical testing. Allele origin: germline. Not counted in ClinVar's aggregate classification.
Comment: This variant is classified as benign based on ACMG/AMP sequence variant interpretation guidelines (Richards et al. 2015 PMID: 25741868, with internal and published modifications).

NM_002291.3(LAMB1):c.3650G>T (p.Arg1217Leu)

Gene: LAMB1 (laminin subunit beta 1; minus strand). Cytogenetic location: 7q31.1.
Variant type: single nucleotide variant.
Coding change: c.3650G>T on transcript NM_002291.3 (MANE Select); coding-DNA position 3650, G replaced by T.
Protein change: p.Arg1217Leu; replaces arginine 1217 with leucine.
Molecular consequence: missense variant.
Genome position (GRCh38, 1-based): chr7:107,940,100, C>A on the plus strand (G>T on the coding strand, the complement: LAMB1 is on the minus strand). VCF-style: chr7-107940100-C-A. GRCh37 (hg19) VCF-style: chr7-107580545-C-A.
Other names: short protein forms R1217L.
Identifiers: ClinVar variation 386892 (VCV000386892.36), dbSNP rs80225385, ClinGen allele CA4435260.